The following is an entry in ClinVar:

NM_002500.5(NEUROD1):c.623del (p.Pro208fs)

Gene: NEUROD1 (neuronal differentiation 1; minus strand). Cytogenetic location: 2q31.3.
Variant type: Deletion.
Coding change: c.623del on transcript NM_002500.5 (MANE Select); coding-DNA position 623, one base deleted (C; older notation c.623delC).
Protein change: p.Pro208fs; shifts the reading frame from proline 208.
Molecular consequence: frameshift variant.
Genome position (GRCh38, 1-based): chr2:181,678,238, G deleted on the plus strand (C on the coding strand, the reverse complement: NEUROD1 is on the minus strand); the first of 2 consecutive G bases (chr2:181,678,238-181,678,239); deleting either gives the same sequence. VCF-style (leftmost placement, unchanged base first): chr2-181678237-CG-C. GRCh37 (hg19) VCF-style: chr2-182542964-CG-C.
Other names: short protein forms P208fs.
Identifiers: ClinVar variation 3639748 (VCV003639748.2).

ClinVar aggregate classification (germline): Uncertain significance (1 of 4 stars; one submission).

Submission:

Labcorp Genetics (formerly Invitae), Labcorp
Classification: Uncertain significance. Last evaluated: 2024-02-08. Review status: criteria provided, single submitter. Criteria: Invitae Variant Classification Sherloc (09022015). Collection method: clinical testing. Allele origin: germline.
Comment: This sequence change creates a premature translational stop signal (p.Pro208Argfs*54) in the NEUROD1 gene. While this is not anticipated to result in nonsense mediated decay, it is expected to disrupt the last 149 amino acid(s) of the NEUROD1 protein. This variant is not present in population databases (gnomAD no frequency). This variant has not been reported in the literature in individuals affected with NEUROD1-related conditions. Experimental studies and prediction algorithms are not available or were not evaluated, and the functional significance of this variant is currently unknown. In summary, the available evidence is currently insufficient to determine the role of this variant in disease. Therefore, it has been classified as a Variant of Uncertain Significance.